The following is an entry in ClinVar:

ClinVar aggregate classification (germline): Likely pathogenic (1 of 4 stars; one submission).

Allele frequency attached by ClinVar (database versions not stated): TOPMed below 0.00001.

Submission:

GeneDx
Classification: Likely pathogenic. Last evaluated: 2022-02-26. Review status: criteria provided, single submitter. Criteria: GeneDx Variant Classification Process June 2021. Collection method: clinical testing. Allele origin: germline. Affected: yes.
Comment: Not observed at significant frequency in large population cohorts (gnomAD); In silico analysis supports that this missense variant has a deleterious effect on protein structure/function; Has not been previously published as pathogenic or benign to our knowledge

NM_001145358.2(SIN3A):c.1846C>T (p.Arg616Cys)

Gene: SIN3A (SIN3 transcription regulator family member A; minus strand). Cytogenetic location: 15q24.2.
Variant type: single nucleotide variant.
Coding change: c.1846C>T on transcript NM_001145358.2 (MANE Select); coding-DNA position 1846, C replaced by T.
Protein change: p.Arg616Cys; replaces arginine 616 with cysteine.
Molecular consequence: missense variant.
Genome position (GRCh38, 1-based): chr15:75,400,048, G>A on the plus strand (C>T on the coding strand, the complement: SIN3A is on the minus strand). VCF-style: chr15-75400048-G-A. GRCh37 (hg19) VCF-style: chr15-75692389-G-A.
Other names: c.1846C>T, p.Arg616Cys (NM_001145357.2, NM_015477.3); short protein forms R616C.
Identifiers: ClinVar variation 1342758 (VCV001342758.2), dbSNP rs2073382517, ClinGen allele CA393497048.